The following is an entry in ClinVar:

NM_000135.4(FANCA):c.4261-23G>A

Genes: FANCA (FA complementation group A; minus strand), ZNF276 (zinc finger protein 276; plus strand). Cytogenetic location: 16q24.3.
Variant type: single nucleotide variant.
Coding change: c.4261-23G>A on transcript NM_000135.4 (MANE Select); 23 bases into the intron before coding-DNA position 4261, G replaced by A.
Molecular consequence: intron variant. On other transcripts: 3 prime UTR variant (2), non-coding transcript variant (4).
Genome position (GRCh38, 1-based): chr16:89,738,731, C>T on the plus strand (G>A on the coding strand, the complement: FANCA is on the minus strand). VCF-style: chr16-89738731-C-T. GRCh37 (hg19) VCF-style: chr16-89805139-C-T.
Other names: c.*485C>T (NM_001113525.2, NM_152287.4); c.4265-23G>A (NM_001286167.3).
Identifiers: ClinVar variation 3029814 (VCV003029814.2), dbSNP rs371859584, ClinGen allele CA8250607.

ClinVar aggregate classification (germline): Likely benign (0 of 4 stars; one submission).

Conditions:
FANCA-related disorder. Also called: FANCA-related condition.

Allele frequency attached by ClinVar (database versions not stated): gnomAD exomes below 0.00001; ExAC 0.00001; gnomAD 0.00001; TOPMed 0.00001; ESP Exome Variant Server 0.00008.
gnomAD v4.1: 7 of 1,613,244 alleles (0.00043%); highest among the groups gnomAD compares: Non-Finnish European, 0.00059%; no homozygotes.

Submission:

PreventionGenetics, part of Exact Sciences
Classification: Likely benign for FANCA-related condition. Last evaluated: 2023-12-05. Review status: no assertion criteria provided. Collection method: clinical testing. Allele origin: germline.
Comment: This variant is classified as likely benign based on ACMG/AMP sequence variant interpretation guidelines (Richards et al. 2015 PMID: 25741868, with internal and published modifications).